The following is an entry in ClinVar:

ClinVar aggregate classification (germline): Uncertain significance. Review status: criteria provided, multiple submitters, no conflicts (2 of 4 stars). 3 submissions from 3 submitters: Uncertain significance (3). Last evaluated 2025-05-21.

Conditions:
Inborn genetic diseases. Identifiers: MedGen C0950123, MeSH D030342.
Developmental and epileptic encephalopathy, 23 (DEE23). Also called: Epileptic encephalopathy, early infantile, 23. Identifiers: Orphanet 411986, MedGen C4014492, MONDO:0014371, OMIM 615859.

Allele frequency attached by ClinVar (database versions not stated): gnomAD 0.00007 and 0.00006; gnomAD exomes 0.00002 and 0.00004; ExAC 0.00004; TOPMed 0.00008.
gnomAD v4.1: 31 of 1,612,952 alleles (0.0019%); highest among the groups gnomAD compares: African/African-American, 0.015%; no homozygotes.

Submissions (3):

GeneDx
Classification: Uncertain significance. Last evaluated: 2025-05-21. Review status: criteria provided, single submitter. Criteria: GeneDx Variant Classification Process June 2021. Collection method: clinical testing. Allele origin: germline. Affected: yes.
Comment: In silico analysis suggests that this missense variant does not alter protein structure/function; Has not been previously published as pathogenic or benign to our knowledge

Ambry Genetics
Classification: Uncertain significance for Inborn genetic diseases. Last evaluated: 2024-07-22. Review status: criteria provided, single submitter. Criteria: Ambry Variant Classification Scheme 2023. Collection method: clinical testing. Allele origin: germline.

Labcorp Genetics (formerly Invitae), Labcorp
Classification: Uncertain significance for Developmental and epileptic encephalopathy, 23. Last evaluated: 2022-08-16. Review status: criteria provided, single submitter. Criteria: Invitae Variant Classification Sherloc (09022015). Collection method: clinical testing. Allele origin: germline.
Comment: This sequence change replaces valine, which is neutral and non-polar, with isoleucine, which is neutral and non-polar, at codon 1000 of the DOCK7 protein (p.Val1000Ile). This variant is present in population databases (rs759268031, gnomAD 0.02%). This variant has not been reported in the literature in individuals affected with DOCK7-related conditions. ClinVar contains an entry for this variant (Variation ID: 860640). Algorithms developed to predict the effect of missense changes on protein structure and function output the following: SIFT: "Tolerated"; PolyPhen-2: "Benign"; Align-GVGD: "Class C0". The isoleucine amino acid residue is found in multiple mammalian species, which suggests that this missense change does not adversely affect protein function. In summary, the available evidence is currently insufficient to determine the role of this variant in disease. Therefore, it has been classified as a Variant of Uncertain Significance.

NM_001367561.1(DOCK7):c.2998G>A (p.Val1000Ile)

Gene: DOCK7 (dedicator of cytokinesis 7; minus strand). Cytogenetic location: 1p31.3.
Variant type: single nucleotide variant.
Coding change: c.2998G>A on transcript NM_001367561.1 (MANE Select); coding-DNA position 2998, G replaced by A.
Protein change: p.Val1000Ile; replaces valine 1000 with isoleucine.
Molecular consequence: missense variant.
Genome position (GRCh38, 1-based): chr1:62,542,655, C>T on the plus strand (G>A on the coding strand, the complement: DOCK7 is on the minus strand). VCF-style: chr1-62542655-C-T. GRCh37 (hg19) VCF-style: chr1-63008326-C-T.
Other names: c.2905G>A (NM_033407.2); c.2998G>A, p.Val1000Ile (NM_001271999.2, NM_001330614.2); c.2905G>A, p.Val969Ile (NM_001272000.2, NM_001272001.2, NM_033407.4); short protein forms V1000I, V969I.
Identifiers: ClinVar variation 860640 (VCV000860640.9), dbSNP rs759268031, ClinGen allele CA886107.